The following is an entry in ClinVar:

NM_003835.4(RGS9):c.1187A>G (p.Tyr396Cys)

Gene: RGS9 (regulator of G protein signaling 9; plus strand). Cytogenetic location: 17q24.1.
Variant type: single nucleotide variant.
Coding change: c.1187A>G on transcript NM_003835.4 (MANE Select); coding-DNA position 1187, A replaced by G.
Protein change: p.Tyr396Cys; replaces tyrosine 396 with cysteine.
Molecular consequence: missense variant.
Genome position (GRCh38, 1-based): chr17:65,204,285, A>G. VCF-style: chr17-65204285-A-G. GRCh37 (hg19) VCF-style: chr17-63200403-A-G.
Other names: c.1178A>G, p.Tyr393Cys (NM_001081955.3, NM_001165933.2); short protein forms Y393C, Y396C.
Identifiers: ClinVar variation 3615519 (VCV003615519.1).
Genomic context (GRCh38, chr17:65,204,285, plus strand): 5'-CAGTGAAGGGGCTGAAGCACCCCCACCGCTATGTGCTGGACGCCGCACAAACCCACATTT[A>G]CATGCTCATGAAGAAGGTAGGTGGGTCCGTGCTGTGGATACGGGGTCCAGATAGGCTTTC-3'
Protein context (NP_003826.2, residues 386-406): YVLDAAQTHI[Tyr396Cys]MLMKKDSYAR

ClinVar aggregate classification (germline): Uncertain significance (1 of 4 stars; one submission).

gnomAD v4.1: 9 of 1,613,784 alleles (0.00056%); highest among the groups gnomAD compares: Non-Finnish European, 0.00076%; no homozygotes.

Submission:

Labcorp Genetics (formerly Invitae), Labcorp
Classification: Uncertain significance. Last evaluated: 2024-02-17. Review status: criteria provided, single submitter. Criteria: Invitae Variant Classification Sherloc (09022015). Collection method: clinical testing. Allele origin: germline.
Comment: This sequence change replaces tyrosine, which is neutral and polar, with cysteine, which is neutral and slightly polar, at codon 396 of the RGS9 protein (p.Tyr396Cys). This variant is present in population databases (no rsID available, gnomAD 0.007%). This variant has not been reported in the literature in individuals affected with RGS9-related conditions. Advanced modeling of protein sequence and biophysical properties (such as structural, functional, and spatial information, amino acid conservation, physicochemical variation, residue mobility, and thermodynamic stability) performed at Invitae indicates that this missense variant is not expected to disrupt RGS9 protein function with a negative predictive value of 80%. In summary, the available evidence is currently insufficient to determine the role of this variant in disease. Therefore, it has been classified as a Variant of Uncertain Significance.